The following is an entry in ClinVar:

NM_000719.7(CACNA1C):c.5444+613C>G

Genes: CACNA1C (calcium voltage-gated channel subunit alpha1 C; plus strand), CACNA1C-AS1 (CACNA1C antisense RNA 1; minus strand). Cytogenetic location: 12p13.33.
Variant type: single nucleotide variant.
Coding change: c.5444+613C>G on transcript NM_000719.7 (MANE Select); 613 bases into the intron after coding-DNA position 5444, C replaced by G.
Molecular consequence: intron variant. On other transcripts: missense variant (1).
Genome position (GRCh38, 1-based): chr12:2,680,409, C>G. VCF-style: chr12-2680409-C-G. GRCh37 (hg19) VCF-style: chr12-2789575-C-G.
Other names: c.5458C>G, p.Leu1820Val (NM_001167625.2); c.5444+613C>G (NM_001167624.3, NM_001167623.2, NM_001129840.2 and 4 more transcripts); c.5588+613C>G (NM_199460.4, NM_001129827.2); c.5504+613C>G (NM_001129832.2); c.5528+613C>G (NM_001129831.2); c.5501+613C>G (NM_001129833.2, NM_001129834.2, NM_001129835.2); c.5567+613C>G (NM_001129829.2); c.5468+613C>G (NM_001129837.2, NM_001129838.2); and 4 more; short protein forms L1820V.
Identifiers: ClinVar variation 2413089 (VCV002413089.2), dbSNP rs1434188425, ClinGen allele CA383379530.
Genomic context (GRCh38, chr12:2,680,409, plus strand): 5'-TCCCTGTGCTCTAGGATGCACTGCTGTGACATGCTGGATGGTGGGACCTTCCCTCCCGCC[C>G]TGGGCCCCCGCAGGGCTCCTCCCTGTCTGCATCAGCAGCTCCAGGGTTCCCTGGCGGGGC-3'

ClinVar aggregate classification (germline): Uncertain significance (1 of 4 stars; one submission).

Allele frequency attached by ClinVar (database versions not stated): gnomAD exomes below 0.00001; gnomAD 0.00001; TOPMed 0.00002.
gnomAD v4.1: 2 of 1,561,052 alleles (0.00013%); highest among the groups gnomAD compares: African/African-American, 0.0027%; no homozygotes.

Submission:

GeneDx
Classification: Uncertain significance. Last evaluated: 2022-07-26. Review status: criteria provided, single submitter. Criteria: GeneDx Variant Classification Process June 2021. Collection method: clinical testing. Allele origin: germline. Affected: yes.
Comment: Not observed at significant frequency in large population cohorts (gnomAD); In silico analysis supports that this missense variant does not alter protein structure/function; Has not been previously published as pathogenic or benign to our knowledge; Reported using an alternate transcript of the gene; the variant is not present in the coding portion of the primary transcript (NM_000719.6)